The following is an entry in ClinVar:

NM_173660.5(DOK7):c.1285A>G (p.Ser429Gly)

Gene: DOK7 (docking protein 7; plus strand). Cytogenetic location: 4p16.3.
Variant type: single nucleotide variant.
Coding change: c.1285A>G on transcript NM_173660.5 (MANE Select); coding-DNA position 1285, A replaced by G.
Protein change: p.Ser429Gly; replaces serine 429 with glycine.
Molecular consequence: missense variant. On other transcripts: 3 prime UTR variant (1).
Genome position (GRCh38, 1-based): chr4:3,493,271, A>G. VCF-style: chr4-3493271-A-G. GRCh37 (hg19) VCF-style: chr4-3494998-A-G.
Other names: c.1285A>G (NM_173660.4); c.*506A>G (NM_001164673.2); c.355A>G, p.Ser119Gly (NM_001256896.2); c.1285A>G, p.Ser429Gly (NM_001301071.2); c.853A>G, p.Ser285Gly (NM_001363811.2); short protein forms S119G, S285G, S429G.
Identifiers: ClinVar variation 2178472 (VCV002178472.5), dbSNP rs1166517627, ClinGen allele CA356117694.

ClinVar aggregate classification (germline): Conflicting classifications of pathogenicity. Review status: criteria provided, conflicting classifications (1 of 4 stars). 2 submissions from 2 submitters: Uncertain significance (1); Likely benign (1). Last evaluated 2025-01-16.

Conditions:
Inborn genetic diseases. Identifiers: MedGen C0950123, MeSH D030342.
Congenital myasthenic syndrome 10. Also called: Myasthenia, limb-girdle, familial. Identifiers: Orphanet 590, MedGen C1850792, MONDO:0009690, OMIM 254300.
Fetal akinesia deformation sequence 1 (FADS1). Also called: Fetal akinesia sequence; Pena-Shokeir syndrome type I. Identifiers: Orphanet 994, MedGen C1276035, MONDO:0100101, OMIM 208150, HP:0001989.

Allele frequency attached by ClinVar (database versions not stated): TOPMed below 0.00001.

Submissions (2):

Ambry Genetics
Classification: Likely benign for Inborn genetic diseases. Last evaluated: 2025-01-16. Review status: criteria provided, single submitter. Criteria: Ambry Variant Classification Scheme 2023. Collection method: clinical testing. Allele origin: germline.

Labcorp Genetics (formerly Invitae), Labcorp
Classification: Uncertain significance for Congenital myasthenic syndrome 10; Fetal akinesia deformation sequence 1. Last evaluated: 2022-04-06. Review status: criteria provided, single submitter. Criteria: Invitae Variant Classification Sherloc (09022015). Collection method: clinical testing. Allele origin: germline.
Comment: In summary, the available evidence is currently insufficient to determine the role of this variant in disease. Therefore, it has been classified as a Variant of Uncertain Significance. Algorithms developed to predict the effect of missense changes on protein structure and function output the following: SIFT: "Tolerated"; PolyPhen-2: "Benign"; Align-GVGD: "Class C0". The glycine amino acid residue is found in multiple mammalian species, which suggests that this missense change does not adversely affect protein function. This variant has not been reported in the literature in individuals affected with DOK7-related conditions. This variant is not present in population databases (gnomAD no frequency). This sequence change replaces serine, which is neutral and polar, with glycine, which is neutral and non-polar, at codon 429 of the DOK7 protein (p.Ser429Gly).